The following is an entry in ClinVar:

ClinVar aggregate classification (germline): Uncertain significance (1 of 4 stars; one submission).

Conditions:
Fanconi anemia complementation group O. Also called: RAD51C-Related Fanconi Anemia. Identifiers: Orphanet 84, MedGen C3150653, MONDO:0013248, OMIM 613390.

Submission:

Labcorp Genetics (formerly Invitae), Labcorp
Classification: Uncertain significance for Fanconi anemia complementation group O. Last evaluated: 2023-07-17. Review status: criteria provided, single submitter. Criteria: Invitae Variant Classification Sherloc (09022015). Collection method: clinical testing. Allele origin: germline.
Comment: In summary, the available evidence is currently insufficient to determine the role of this variant in disease. Therefore, it has been classified as a Variant of Uncertain Significance. Algorithms developed to predict the effect of missense changes on protein structure and function output the following: SIFT: "Not Available"; PolyPhen-2: "Benign"; Align-GVGD: "Not Available". The aspartic acid amino acid residue is found in multiple mammalian species, which suggests that this missense change does not adversely affect protein function. ClinVar contains an entry for this variant (Variation ID: 1379551). This variant has not been reported in the literature in individuals affected with RAD51C-related conditions. This variant is not present in population databases (gnomAD no frequency). This sequence change replaces glycine, which is neutral and non-polar, with aspartic acid, which is acidic and polar, at codon 361 of the RAD51C protein (p.Gly361Asp).

NM_058216.3(RAD51C):c.1082G>A (p.Gly361Asp)

Gene: RAD51C (RAD51 paralog C; plus strand). Cytogenetic location: 17q22.
Variant type: single nucleotide variant.
Coding change: c.1082G>A on transcript NM_058216.3 (MANE Select); coding-DNA position 1082, G replaced by A.
Protein change: p.Gly361Asp; replaces glycine 361 with aspartic acid.
Molecular consequence: missense variant. On other transcripts: non-coding transcript variant (1).
Genome position (GRCh38, 1-based): chr17:58,734,173, G>A. VCF-style: chr17-58734173-G-A. GRCh37 (hg19) VCF-style: chr17-56811534-G-A.
Other names: short protein forms G361D.
Identifiers: ClinVar variation 1379551 (VCV001379551.6), dbSNP rs2049564193, ClinGen allele CA400366326.